The following is an entry in ClinVar:

NM_001364171.2(ODAD1):c.1876G>A (p.Gly626Ser)

Gene: ODAD1 (outer dynein arm docking complex subunit 1; minus strand). Cytogenetic location: 19q13.33.
Variant type: single nucleotide variant.
Coding change: c.1876G>A on transcript NM_001364171.2 (MANE Select); coding-DNA position 1876, G replaced by A.
Protein change: p.Gly626Ser; replaces glycine 626 with serine.
Molecular consequence: missense variant.
Genome position (GRCh38, 1-based): chr19:48,297,224, C>T on the plus strand (G>A on the coding strand, the complement: ODAD1 is on the minus strand). VCF-style: chr19-48297224-C-T. GRCh37 (hg19) VCF-style: chr19-48800481-C-T.
Other names: c.1765G>A (NM_144577.3); c.1765G>A, p.Gly589Ser (NM_144577.4); short protein forms G589S, G626S.
Identifiers: ClinVar variation 2052492 (VCV002052492.5), dbSNP rs563321170, ClinGen allele CA9548542.

ClinVar aggregate classification (germline): Uncertain significance. Review status: criteria provided, multiple submitters, no conflicts (2 of 4 stars). 2 submissions from 2 submitters: Uncertain significance (2). Last evaluated 2024-10-30.

Conditions:
Primary ciliary dyskinesia. Also called: Ciliary dyskinesia. Identifiers: Orphanet 244, MedGen C0008780, MONDO:0016575, HP:0012265.

Allele frequency attached by ClinVar (database versions not stated): ExAC 0.00002; gnomAD 0.00002; TOPMed 0.00002; gnomAD exomes 0.00006.
gnomAD v4.1: 92 of 1,613,942 alleles (0.0057%); highest among the groups gnomAD compares: South Asian, 0.018%; no homozygotes.

Submissions (2):

Labcorp Genetics (formerly Invitae), Labcorp
Classification: Uncertain significance for Primary ciliary dyskinesia. Last evaluated: 2024-10-30. Review status: criteria provided, single submitter. Criteria: Invitae Variant Classification Sherloc (09022015). Collection method: clinical testing. Allele origin: germline.
Comment: This sequence change replaces glycine, which is neutral and non-polar, with serine, which is neutral and polar, at codon 589 of the CCDC114 protein (p.Gly589Ser). This variant is present in population databases (rs563321170, gnomAD 0.006%). This variant has not been reported in the literature in individuals affected with CCDC114-related conditions. ClinVar contains an entry for this variant (Variation ID: 2052492). An algorithm developed to predict the effect of missense changes on protein structure and function outputs the following: PolyPhen-2: "Benign". The serine amino acid residue is found in multiple mammalian species, which suggests that this missense change does not adversely affect protein function. In summary, the available evidence is currently insufficient to determine the role of this variant in disease. Therefore, it has been classified as a Variant of Uncertain Significance.

Ambry Genetics
Classification: Uncertain significance for Primary ciliary dyskinesia. Last evaluated: 2024-01-22. Review status: criteria provided, single submitter. Criteria: Ambry Variant Classification Scheme 2023. Collection method: clinical testing. Allele origin: germline.